The following is an entry in ClinVar:

NM_012062.5(DNM1L):c.1708-8T>G

Gene: DNM1L (dynamin 1 like; plus strand). Cytogenetic location: 12p11.21.
Variant type: single nucleotide variant.
Coding change: c.1708-8T>G on transcript NM_012062.5 (MANE Select); 8 bases into the intron before coding-DNA position 1708, T replaced by G.
Molecular consequence: intron variant.
Genome position (GRCh38, 1-based): chr12:32,740,056, T>G. VCF-style: chr12-32740056-T-G. GRCh37 (hg19) VCF-style: chr12-32892990-T-G.
Other names: c.1747-8T>G (NM_001278464.2); c.1714-8T>G (NM_001278465.2); c.1636-8T>G (NM_001330380.2); c.1099-8T>G (NM_001278466.2); c.1675-8T>G (NM_001278463.2); c.1630-8T>G (NM_012063.4); c.1597-8T>G (NM_005690.5).
Identifiers: ClinVar variation 515622 (VCV000515622.4), dbSNP rs781114918, ClinGen allele CA6507687.

ClinVar aggregate classification (germline): Likely benign. Review status: criteria provided, multiple submitters, no conflicts (2 of 4 stars). 2 submissions from 2 submitters: Likely benign (2). Last evaluated 2025-08-25.

Allele frequency attached by ClinVar (database versions not stated): gnomAD exomes 0.00001 and 0.00002; ExAC 0.00002; TOPMed 0.00002; gnomAD 0.00003.
gnomAD v4.1: 24 of 1,613,978 alleles (0.0015%); highest among the groups gnomAD compares: East Asian, 0.011%; no homozygotes.

Submissions (2):

Labcorp Genetics (formerly Invitae), Labcorp
Classification: Likely benign. Last evaluated: 2025-08-25. Review status: criteria provided, single submitter. Criteria: Invitae Variant Classification Sherloc (09022015). Collection method: clinical testing. Allele origin: germline.

GeneDx
Classification: Likely benign. Last evaluated: 2018-02-16. Review status: criteria provided, single submitter. Criteria: GeneDx Variant Classification (06012015). Collection method: clinical testing. Allele origin: germline. Affected: yes.
Comment: This variant is considered likely benign or benign based on one or more of the following criteria: it is a conservative change, it occurs at a poorly conserved position in the protein, it is predicted to be benign by multiple in silico algorithms, and/or has population frequency not consistent with disease.